The following is an entry in ClinVar:

ClinVar aggregate classification (germline): Pathogenic. Review status: criteria provided, multiple submitters, no conflicts (2 of 4 stars). 2 submissions from 2 submitters: Pathogenic (2). Last evaluated 2025-10-22.

Conditions:
CHM-related disorders.

Submissions (2):

Labcorp Genetics (formerly Invitae), Labcorp
Classification: Pathogenic. Last evaluated: 2025-10-22. Review status: criteria provided, single submitter. Criteria: Invitae Variant Classification Sherloc (09022015). Collection method: clinical testing. Allele origin: germline.
Comment: This sequence change creates a premature translational stop signal (p.Trp47*) in the CHM gene. It is expected to result in an absent or disrupted protein product. Loss-of-function variants in CHM are known to be pathogenic (PMID: 9067750, 23811034). This variant is not present in population databases (gnomAD no frequency). This premature translational stop signal has been observed in individuals with choroideremia (PMID: 27070432). ClinVar contains an entry for this variant (Variation ID: 960499). For these reasons, this variant has been classified as Pathogenic.

Blueprint Genetics
Classification: Pathogenic for CHM-related disorders. Last evaluated: 2020-01-21. Review status: criteria provided, single submitter. Criteria: ACMG Guidelines, 2015. Collection method: clinical testing. Allele origin: germline. Affected: yes. Observed: 1 variant allele.

Literature cited by the submitters: PubMed 9067750 (cited by Labcorp Genetics (formerly Invitae), Labcorp); PubMed 23811034 (cited by Labcorp Genetics (formerly Invitae), Labcorp); PubMed 27070432 (cited by Labcorp Genetics (formerly Invitae), Labcorp).

NM_000390.4(CHM):c.141G>A (p.Trp47Ter)

Gene: CHM (CHM Rab escort protein; minus strand). Cytogenetic location: Xq21.2.
Variant type: single nucleotide variant.
Coding change: c.141G>A on transcript NM_000390.4 (MANE Select); coding-DNA position 141, G replaced by A.
Protein change: p.Trp47Ter; replaces tryptophan 47 with a stop codon.
Molecular consequence: nonsense. On other transcripts: 5 prime UTR variant (4).
Genome position (GRCh38, 1-based): chrX:85,981,785, C>T on the plus strand (G>A on the coding strand, the complement: CHM is on the minus strand). VCF-style: chrX-85981785-C-T. GRCh37 (hg19) VCF-style: chrX-85236789-C-T.
Other names: c.141G>A, p.Trp47Ter (NM_001145414.4); c.-304G>A (NM_001320959.1, NM_001362517.1); c.-300G>A (NM_001362518.2, NM_001362519.1); short protein forms W47*.
Identifiers: ClinVar variation 960499 (VCV000960499.10), dbSNP rs1931627432, ClinGen allele CA413788342.
Genomic context (GRCh38, chrX:85,981,785, plus strand): 5'-TACAAACTTTACCTGGTATTCCTTTAGCCAGGACAATAGTCCTGAAAAGCTAAAACTGGC[C>T]CAGTTTCCTCCATAGTAGCTTCTTCTGTAACAATTAAAAAAAAAAAAAAAAGTAAAGAAA-3'